The following is an entry in ClinVar:

ClinVar aggregate classification (germline): Uncertain significance (1 of 4 stars; one submission).

Allele frequency attached by ClinVar (database versions not stated): gnomAD exomes 0.00001.
gnomAD v4.1: 3 of 1,548,730 alleles (0.00019%); highest among the groups gnomAD compares: East Asian, 0.0024%; no homozygotes.

Submission:

Labcorp Genetics (formerly Invitae), Labcorp
Classification: Uncertain significance. Last evaluated: 2023-12-13. Review status: criteria provided, single submitter. Criteria: Invitae Variant Classification Sherloc (09022015). Collection method: clinical testing. Allele origin: germline.
Comment: This sequence change replaces alanine, which is neutral and non-polar, with threonine, which is neutral and polar, at codon 209 of the DGKZ protein (p.Ala209Thr). This variant is not present in population databases (gnomAD no frequency). This variant has not been reported in the literature in individuals affected with DGKZ-related conditions. Algorithms developed to predict the effect of missense changes on protein structure and function output the following: SIFT: "Not Available"; PolyPhen-2: "Benign"; Align-GVGD: "Not Available". The threonine amino acid residue is found in multiple mammalian species, which suggests that this missense change does not adversely affect protein function. In summary, the available evidence is currently insufficient to determine the role of this variant in disease. Therefore, it has been classified as a Variant of Uncertain Significance.

NM_001199267.2(DGKZ):c.162-410G>A

Gene: DGKZ (diacylglycerol kinase zeta; plus strand). Cytogenetic location: 11p11.2.
Variant type: single nucleotide variant.
Coding change: c.162-410G>A on transcript NM_001199267.2 (MANE Select); 410 bases into the intron before coding-DNA position 162, G replaced by A.
Molecular consequence: intron variant. On other transcripts: missense variant (1).
Genome position (GRCh38, 1-based): chr11:46,366,881, G>A. VCF-style: chr11-46366881-G-A. GRCh37 (hg19) VCF-style: chr11-46388431-G-A.
Other names: c.625G>A, p.Ala209Thr (NM_001105540.2); c.213-410G>A (NM_201532.3); c.177-410G>A (NM_201533.3); c.162-410G>A (NM_001199266.2, NM_003646.4, NM_001199268.2); short protein forms A209T.
Identifiers: ClinVar variation 2714712 (VCV002714712.3), dbSNP rs1194948473, ClinGen allele CA380212175.